The following is an entry in ClinVar:

NM_144701.3(IL23R):c.1195G>A (p.Asp399Asn)

Gene: IL23R (interleukin 23 receptor; plus strand). Cytogenetic location: 1p31.3.
Variant type: single nucleotide variant.
Coding change: c.1195G>A on transcript NM_144701.3 (MANE Select); coding-DNA position 1195, G replaced by A.
Protein change: p.Asp399Asn; replaces aspartic acid 399 with asparagine.
Molecular consequence: missense variant.
Genome position (GRCh38, 1-based): chr1:67,255,883, G>A. VCF-style: chr1-67255883-G-A. GRCh37 (hg19) VCF-style: chr1-67721566-G-A.
Other names: short protein forms D399N.
Identifiers: ClinVar variation 1050283 (VCV001050283.1), dbSNP rs1652919364, ClinGen allele CA340727172.

ClinVar aggregate classification (germline): Uncertain significance (0 of 4 stars; one submission).

Submission:

Department of Pathology and Laboratory Medicine, Sinai Health System
Classification: Uncertain significance. Review status: no assertion criteria provided. Collection method: clinical testing. Allele origin: unknown. Affected: yes. Study: The Canadian Open Genetics Repository (COGR).
Comment: The IL23R p.Asp399Asn variant was not identified in the literature nor was it identified in dbSNP, ClinVar, Cosmic or LOVD 3.0. The variant was also not identified in the following control databases: the 1000 Genomes Project, the NHLBI GO Exome Sequencing Project, the Exome Aggregation Consortium (August 8th 2016), or the Genome Aggregation Database (Feb 27, 2017). The variant occurs outside of the splicing consensus sequence and in silico or computational prediction software programs (SpliceSiteFinder, MaxEntScan, NNSPLICE, GeneSplicer) do not predict a difference in splicing. The p.Asp399 residue is conserved in mammals and computational analyses (PolyPhen-2, SIFT, AlignGVGD, BLOSUM, MutationTaster) provide inconsistent predictions regarding the impact to the protein; this information is not very predictive of pathogenicity. In summary, based on the above information the clinical significance of this variant cannot be determined with certainty at this time. This variant is classified as a variant of uncertain significance.